The following is an entry in ClinVar:

NM_001148.6(ANK2):c.11621T>C (p.Met3874Thr)

Gene: ANK2 (ankyrin 2; plus strand). Cytogenetic location: 4q26.
Variant type: single nucleotide variant.
Coding change: c.11621T>C on transcript NM_001148.6 (MANE Select); coding-DNA position 11621, T replaced by C.
Protein change: p.Met3874Thr; replaces methionine 3874 with threonine.
Molecular consequence: missense variant. On other transcripts: intron variant (1).
Genome position (GRCh38, 1-based): chr4:113,373,100, T>C. VCF-style: chr4-113373100-T-C. GRCh37 (hg19) VCF-style: chr4-114294256-T-C.
Other names: c.5339T>C, p.Met1780Thr (NM_001127493.3); c.5378T>C, p.Met1793Thr (NM_001354225.2); c.5360T>C, p.Met1787Thr (NM_001354228.2); c.5345T>C, p.Met1782Thr (NM_001354230.2); c.5501T>C, p.Met1834Thr (NM_001354231.2); c.5495T>C, p.Met1832Thr (NM_001354232.2); c.5456T>C, p.Met1819Thr (NM_001354235.2); c.5264T>C, p.Met1755Thr (NM_001354236.2); and 44 more; short protein forms M1628T, M1661T, M1689T, M1694T, M1702T, M1711T, M1714T, M1716T.
Identifiers: ClinVar variation 3370698 (VCV003370698.1).

ClinVar aggregate classification (germline): Uncertain significance (1 of 4 stars; one submission).

Submission:

GeneDx
Classification: Uncertain significance. Last evaluated: 2024-03-14. Review status: criteria provided, single submitter. Criteria: GeneDx Variant Classification Process June 2021. Collection method: clinical testing. Allele origin: germline. Affected: yes.
Comment: Not observed at significant frequency in large population cohorts (gnomAD); In silico analysis supports that this missense variant has a deleterious effect on protein structure/function; Has not been previously published as pathogenic or benign to our knowledge